The following is an entry in ClinVar:

NM_024598.4(USB1):c.215G>C (p.Arg72Pro)

Gene: USB1 (U6 snRNA biogenesis phosphodiesterase 1; plus strand). Cytogenetic location: 16q21.
Variant type: single nucleotide variant.
Coding change: c.215G>C on transcript NM_024598.4 (MANE Select); coding-DNA position 215, G replaced by C.
Protein change: p.Arg72Pro; replaces arginine 72 with proline.
Molecular consequence: missense variant.
Genome position (GRCh38, 1-based): chr16:58,002,595, G>C. VCF-style: chr16-58002595-G-C. GRCh37 (hg19) VCF-style: chr16-58036499-G-C.
Other names: c.215G>C, p.Arg72Pro (NM_001195302.2, NM_001204911.2, NM_001330569.2); c.62G>C, p.Arg21Pro (NM_001330568.2); c.215G>C (NM_024598.3); short protein forms R72P, R21P.
Identifiers: ClinVar variation 1365470 (VCV001365470.7), dbSNP rs372917091, ClinGen allele CA8084836.
Genomic context (GRCh38, chr16:58,002,595, plus strand): 5'-TGTTCCCGGGCACCGAGGAGGGGCCTGAAGATGACAGCACAAAACACGGGGGACGGGTGC[G>C]CACCTTCCCCCACGAGCGAGGCAACTGGGCCACCCACGTCTATGTACCATGTGAGTGATG-3'
Protein context (NP_078874.2, residues 62-82): DDSTKHGGRV[Arg72Pro]TFPHERGNWA

ClinVar aggregate classification (germline): Uncertain significance. Review status: criteria provided, multiple submitters, no conflicts (2 of 4 stars). 2 submissions from 2 submitters: Uncertain significance (2). Last evaluated 2024-12-15.

Conditions:
Inborn genetic diseases. Identifiers: MedGen C0950123, MeSH D030342.

Allele frequency attached by ClinVar (database versions not stated): ExAC 0.00002; TOPMed 0.00002; 1000 Genomes Project 0.00020; 1000 Genomes Project 30x 0.00031.
gnomAD v4.1: 9 of 1,614,024 alleles (0.00056%); highest among the groups gnomAD compares: African/African-American, 0.011%; no homozygotes.

Submissions (2):

Ambry Genetics
Classification: Uncertain significance for Inborn genetic diseases. Last evaluated: 2024-12-15. Review status: criteria provided, single submitter. Criteria: Ambry Variant Classification Scheme 2023. Collection method: clinical testing. Allele origin: germline.
Comment: The p.R72P variant (also known as c.215G>C), located in coding exon 2 of the USB1 gene, results from a G to C substitution at nucleotide position 215. The arginine at codon 72 is replaced by proline, an amino acid with dissimilar properties. This amino acid position is conserved. In addition, this alteration is predicted to be deleterious by in silico analysis. Based on the available evidence, the clinical significance of this variant remains unclear.

Labcorp Genetics (formerly Invitae), Labcorp
Classification: Uncertain significance. Last evaluated: 2021-01-14. Review status: criteria provided, single submitter. Criteria: Invitae Variant Classification Sherloc (09022015). Collection method: clinical testing. Allele origin: germline.
Comment: In summary, the available evidence is currently insufficient to determine the role of this variant in disease. Therefore, it has been classified as a Variant of Uncertain Significance. Algorithms developed to predict the effect of missense changes on protein structure and function are either unavailable or do not agree on the potential impact of this missense change (SIFT: "Not Available"; PolyPhen-2: "Probably Damaging"; Align-GVGD: "Not Available"). This variant has not been reported in the literature in individuals with USB1-related conditions. This variant is present in population databases (rs372917091, ExAC 0.02%). This sequence change replaces arginine with proline at codon 72 of the USB1 protein (p.Arg72Pro). The arginine residue is highly conserved and there is a moderate physicochemical difference between arginine and proline.